The following is an entry in ClinVar:

NM_004958.4(MTOR):c.5597A>G (p.Gln1866Arg)

Gene: MTOR (mechanistic target of rapamycin kinase; minus strand). Cytogenetic location: 1p36.22.
Variant type: single nucleotide variant.
Coding change: c.5597A>G on transcript NM_004958.4 (MANE Select); coding-DNA position 5597, A replaced by G.
Protein change: p.Gln1866Arg; replaces glutamine 1866 with arginine.
Molecular consequence: missense variant.
Genome position (GRCh38, 1-based): chr1:11,130,545, T>C on the plus strand (A>G on the coding strand, the complement: MTOR is on the minus strand). VCF-style: chr1-11130545-T-C. GRCh37 (hg19) VCF-style: chr1-11190602-T-C.
Other names: c.5597A>G, p.Gln1866Arg (NM_001386500.1); c.4349A>G, p.Gln1450Arg (NM_001386501.1); short protein forms Q1866R, Q1450R.
Identifiers: ClinVar variation 1384084 (VCV001384084.8), dbSNP rs768051854, ClinGen allele CA589298.
Genomic context (GRCh38, chr1:11,130,545, plus strand): 5'-CTGGCACCTTGGTTGGTTGTTAATAAGGAAGAAGGGAAGGGTACCTCAGTGACCTTCTTC[T>C]GCAGCGGCGATGGGGTGGGGCTGTTCTCGGTGCTCTCGGCCTCGCTCTCACTGTTGCTGC-3'
Protein context (NP_004949.1, residues 1856-1876): TENSPTPSPL[Gln1866Arg]KKVTEDLSKT

ClinVar aggregate classification (germline): Uncertain significance (1 of 4 stars; one submission).

Allele frequency attached by ClinVar (database versions not stated): gnomAD exomes below 0.00001; ExAC 0.00001.
gnomAD v4.1: 1 of 1,613,146 alleles (0.000062%); highest among the groups gnomAD compares: Non-Finnish European, 0.000085%; no homozygotes.

Submission:

Labcorp Genetics (formerly Invitae), Labcorp
Classification: Uncertain significance. Last evaluated: 2021-04-02. Review status: criteria provided, single submitter. Criteria: Invitae Variant Classification Sherloc (09022015). Collection method: clinical testing. Allele origin: germline.
Comment: In summary, the available evidence is currently insufficient to determine the role of this variant in disease. Therefore, it has been classified as a Variant of Uncertain Significance. Advanced modeling of protein sequence and biophysical properties (such as structural, functional, and spatial information, amino acid conservation, physicochemical variation, residue mobility, and thermodynamic stability) performed at Invitae indicates that this missense variant is not expected to disrupt MTOR protein function. This variant has not been reported in the literature in individuals with MTOR-related conditions. This variant is present in population databases (rs768051854, ExAC 0.01%). This sequence change replaces glutamine with arginine at codon 1866 of the MTOR protein (p.Gln1866Arg). The glutamine residue is moderately conserved and there is a small physicochemical difference between glutamine and arginine.